The following is an entry in ClinVar:

ClinVar aggregate classification (germline): Pathogenic/Likely pathogenic. Review status: criteria provided, multiple submitters, no conflicts (2 of 4 stars). 4 submissions from 4 submitters: Pathogenic (2); Likely pathogenic (1). 1 of the submissions does not count toward it. Last evaluated 2025-01-28.

Conditions:
Hereditary cancer-predisposing syndrome. Also called: Tumor predisposition; Hereditary neoplastic syndrome; Neoplastic Syndromes, Hereditary; Hereditary Cancer Syndrome. Identifiers: Orphanet 140162, MedGen C0027672, MeSH D009386, MONDO:0015356.
Ataxia-telangiectasia-like disorder 1 (ATLD1). Identifiers: Orphanet 251347, MedGen C4012790, MONDO:0024557, OMIM 604391.
Ataxia-telangiectasia-like disorder (ATLD). Identifiers: MedGen C1858391, MONDO:0011457.

Allele frequency attached by ClinVar (database versions not stated): TOPMed below 0.00001.
gnomAD v4.1: 2 of 1,613,686 alleles (0.00012%); highest among the groups gnomAD compares: Non-Finnish European, 0.00017%; no homozygotes.

Submissions (4):

Labcorp Genetics (formerly Invitae), Labcorp
Classification: Pathogenic for Ataxia-telangiectasia-like disorder. Last evaluated: 2025-01-28. Review status: criteria provided, single submitter. Criteria: Invitae Variant Classification Sherloc (09022015). Collection method: clinical testing. Allele origin: germline.
Comment: This sequence change creates a premature translational stop signal (p.Glu77*) in the MRE11 gene. It is expected to result in an absent or disrupted protein product. Loss-of-function variants in MRE11 are known to be pathogenic (PMID: 23080121, 23912341). This variant is not present in population databases (gnomAD no frequency). This premature translational stop signal has been observed in individual(s) with endometrium cancer (PMID: 26845104). ClinVar contains an entry for this variant (Variation ID: 224574). Algorithms developed to predict the effect of sequence changes on RNA splicing suggest that this variant may disrupt the consensus splice site. For these reasons, this variant has been classified as Pathogenic.

Baylor Genetics
Classification: Likely pathogenic for Ataxia-telangiectasia-like disorder 1. Last evaluated: 2023-03-15. Review status: criteria provided, single submitter. Criteria: ACMG Guidelines, 2015. Collection method: clinical testing. Allele origin: unknown.

Ambry Genetics
Classification: Pathogenic for Hereditary cancer-predisposing syndrome. Last evaluated: 2020-01-07. Review status: criteria provided, single submitter. Criteria: Ambry Variant Classification Scheme 2023. Collection method: clinical testing. Allele origin: germline.
Comment: The p.E77* pathogenic mutation (also known as c.229G>T), located in coding exon 3 of the MRE11A gene, results from a G to T substitution at nucleotide position 229. This changes the amino acid from a glutamic acid to a stop codon within coding exon 3. This alteration is expected to result in loss of function by premature protein truncation or nonsense-mediated mRNA decay. As such, this alteration is interpreted as a disease-causing mutation.

University of Washington Department of Laboratory Medicine, University of Washington
Classification: Uncertain significance for Hereditary cancer-predisposing syndrome. Last evaluated: 2015-11-20. Review status: flagged submission. Criteria: Shirts et al. (Genet Med 2016). Collection method: clinical testing. Allele origin: germline. Observed: 1 variant allele. Not counted in ClinVar's aggregate classification.
ClinVar note: Reason: Outlier claim with insufficient supporting evidence

Literature cited by the submitters: PubMed 23080121 (cited by Labcorp Genetics (formerly Invitae), Labcorp); PubMed 23912341 (cited by Labcorp Genetics (formerly Invitae), Labcorp); PubMed 26845104 (cited by Labcorp Genetics (formerly Invitae), Labcorp).

NM_005591.4(MRE11):c.229G>T (p.Glu77Ter)

Gene: MRE11 (MRE11 double strand break repair nuclease; minus strand). Cytogenetic location: 11q21.
Variant type: single nucleotide variant.
Coding change: c.229G>T on transcript NM_005591.4 (MANE Select); coding-DNA position 229, G replaced by T.
Protein change: p.Glu77Ter; replaces glutamic acid 77 with a stop codon.
Molecular consequence: nonsense.
Genome position (GRCh38, 1-based): chr11:94,486,009, C>A on the plus strand (G>T on the coding strand, the complement: MRE11 is on the minus strand). VCF-style: chr11-94486009-C-A. GRCh37 (hg19) VCF-style: chr11-94219175-C-A.
Other names: c.229G>T, p.Glu77Ter (NM_001330347.2, NM_005590.4); short protein forms E77*.
Identifiers: ClinVar variation 224574 (VCV000224574.17), dbSNP rs779269083, ClinGen allele CA351220.
Genomic context (GRCh38, chr11:94,486,009, plus strand): 5'-GATCACTGAGAATTTCAAACTGGACAGGCCGATCACCCATACAATATTTTCTTAATAACT[C>A]GAGGCAGGTATGTAATGTTTTCCTTGAGGGCTTATTTTCATGAAAAAGATCACCACCTAA-3'